The following is an entry in ClinVar:

ClinVar aggregate classification (germline): Conflicting classifications of pathogenicity. Review status: criteria provided, conflicting classifications (1 of 4 stars). 2 submissions from 2 submitters: Uncertain significance (1); Likely benign (1). Last evaluated 2025-10-05.

Conditions:
SLC5A6-related disorder.
Inborn genetic diseases. Identifiers: MedGen C0950123, MeSH D030342.

Allele frequency attached by ClinVar (database versions not stated): gnomAD exomes 0.00004; ExAC 0.00017; gnomAD 0.00029; TOPMed 0.00034; ESP Exome Variant Server 0.00062.

Submissions (2):

PreventionGenetics, part of Exact Sciences
Classification: Uncertain significance for SLC5A6-related condition. Last evaluated: 2025-10-05. Review status: criteria provided, single submitter. Criteria: ACMG Guidelines, 2015. Collection method: clinical testing. Allele origin: germline.
Comment: The SLC5A6 c.358G>A variant is predicted to result in the amino acid substitution p.Val120Ile. To our knowledge, this variant has not been reported in the literature. This variant is reported in 0.11% of alleles in individuals of African descent in gnomAD. Although we suspect that this variant may be benign, at this time, the clinical significance of this variant is uncertain due to the absence of conclusive functional and genetic evidence.

Ambry Genetics
Classification: Likely benign for Inborn genetic diseases. Last evaluated: 2022-12-28. Review status: criteria provided, single submitter. Criteria: Ambry Variant Classification Scheme 2023. Collection method: clinical testing. Allele origin: germline.

NM_021095.4(SLC5A6):c.358G>A (p.Val120Ile)

Gene: SLC5A6 (solute carrier family 5 member 6; minus strand). Cytogenetic location: 2p23.3.
Variant type: single nucleotide variant.
Coding change: c.358G>A on transcript NM_021095.4 (MANE Select); coding-DNA position 358, G replaced by A.
Protein change: p.Val120Ile; replaces valine 120 with isoleucine.
Molecular consequence: missense variant. On other transcripts: non-coding transcript variant (1).
Genome position (GRCh38, 1-based): chr2:27,207,293, C>T on the plus strand (G>A on the coding strand, the complement: SLC5A6 is on the minus strand). VCF-style: chr2-27207293-C-T. GRCh37 (hg19) VCF-style: chr2-27430161-C-T.
Other names: short protein forms V120I.
Identifiers: ClinVar variation 2326676 (VCV002326676.3), dbSNP rs150524685, ClinGen allele CA1571875.